The following is an entry in ClinVar:

ClinVar aggregate classification (germline): Uncertain significance. Review status: criteria provided, multiple submitters, no conflicts (2 of 4 stars). 5 submissions from 5 submitters: Uncertain significance (5). Last evaluated 2024-09-30.

Conditions:
Hereditary cancer-predisposing syndrome. Also called: Neoplastic Syndromes, Hereditary; Tumor predisposition; Hereditary neoplastic syndrome; Hereditary Cancer Syndrome. Identifiers: Orphanet 140162, MedGen C0027672, MeSH D009386, MONDO:0015356.
Breast and/or ovarian cancer. Identifiers: MedGen CN221562.
Familial cancer of breast. Also called: Hereditary breast cancer; hereditary breast carcinoma; BREAST CANCER, FAMILIAL. Identifiers: Orphanet 227535, MedGen C0346153, MONDO:0016419, OMIM 114480. Disease mechanism: loss of function.

Allele frequency attached by ClinVar (database versions not stated): gnomAD exomes below 0.00001; TOPMed below 0.00001.
gnomAD v4.1: 1 of 1,614,168 alleles (0.000062%); highest among the groups gnomAD compares: Non-Finnish European, 0.000085%; no homozygotes.

Submissions (5):

Ambry Genetics
Classification: Uncertain significance for Hereditary cancer-predisposing syndrome. Last evaluated: 2024-09-30. Review status: criteria provided, single submitter. Criteria: Ambry Variant Classification Scheme 2023. Collection method: clinical testing. Allele origin: germline.
Comment: The p.S475L variant (also known as c.1424C>T), located in coding exon 4 of the PALB2 gene, results from a C to T substitution at nucleotide position 1424. The serine at codon 475 is replaced by leucine, an amino acid with dissimilar properties. This amino acid position is conserved. In addition, this alteration is predicted to be tolerated by in silico analysis. Since supporting evidence is limited at this time, the clinical significance of this alteration remains unclear.

Blueprint Genetics
Classification: Uncertain significance. Last evaluated: 2024-07-26. Review status: criteria provided, single submitter. Criteria: ACMG Guidelines, 2015. Collection method: clinical testing. Allele origin: germline.

Labcorp Genetics (formerly Invitae), Labcorp
Classification: Uncertain significance for Familial cancer of breast. Last evaluated: 2023-07-28. Review status: criteria provided, single submitter. Criteria: Invitae Variant Classification Sherloc (09022015). Collection method: clinical testing. Allele origin: germline.
Comment: In summary, the available evidence is currently insufficient to determine the role of this variant in disease. Therefore, it has been classified as a Variant of Uncertain Significance. Advanced modeling of protein sequence and biophysical properties (such as structural, functional, and spatial information, amino acid conservation, physicochemical variation, residue mobility, and thermodynamic stability) performed at Invitae indicates that this missense variant is not expected to disrupt PALB2 protein function. ClinVar contains an entry for this variant (Variation ID: 1329322). This variant has not been reported in the literature in individuals affected with PALB2-related conditions. This variant is not present in population databases (gnomAD no frequency). This sequence change replaces serine, which is neutral and polar, with leucine, which is neutral and non-polar, at codon 475 of the PALB2 protein (p.Ser475Leu).

Baylor Genetics
Classification: Uncertain significance for Familial cancer of breast. Last evaluated: 2023-06-01. Review status: criteria provided, single submitter. Criteria: ACMG Guidelines, 2015. Collection method: clinical testing. Allele origin: unknown.

CHEO Genetics Diagnostic Laboratory, Children's Hospital of Eastern Ontario
Classification: Uncertain significance for Breast and/or ovarian cancer. Last evaluated: 2021-02-24. Review status: criteria provided, single submitter. Criteria: ACMG Guidelines, 2015. Collection method: clinical testing. Allele origin: germline.

NM_024675.4(PALB2):c.1424C>T (p.Ser475Leu)

Gene: PALB2 (partner and localizer of BRCA2; minus strand). Cytogenetic location: 16p12.2.
Variant type: single nucleotide variant.
Coding change: c.1424C>T on transcript NM_024675.4 (MANE Select); coding-DNA position 1424, C replaced by T.
Protein change: p.Ser475Leu; replaces serine 475 with leucine.
Molecular consequence: missense variant.
Genome position (GRCh38, 1-based): chr16:23,635,122, G>A on the plus strand (C>T on the coding strand, the complement: PALB2 is on the minus strand). VCF-style: chr16-23635122-G-A. GRCh37 (hg19) VCF-style: chr16-23646443-G-A.
Other names: short protein forms S475L.
Identifiers: ClinVar variation 1329322 (VCV001329322.10), dbSNP rs886039479, ClinGen allele CA395131300.